The following is an entry in ClinVar:

ClinVar aggregate classification (germline): Benign/Likely benign. Review status: criteria provided, multiple submitters, no conflicts (2 of 4 stars). 3 submissions from 3 submitters: Benign (1); Likely benign (1). 1 of the submissions does not count toward it. Last evaluated 2026-01-26.

Conditions:
RAPSN-related disorder. Also called: RAPSN-related condition; RAPSN-related disorders. Identifiers: MedGen CN239397.
Fetal akinesia deformation sequence 1 (FADS1). Also called: Pena-Shokeir syndrome type I; Fetal akinesia sequence. Identifiers: Orphanet 994, MedGen C1276035, MONDO:0100101, OMIM 208150, HP:0001989.
Congenital myasthenic syndrome 11. Also called: MYASTHENIC SYNDROME, CONGENITAL, Ie; Myasthenic syndrome, congenital, 11, associated with acetylcholine receptor deficiency. Identifiers: Orphanet 590, MedGen C4225367, MONDO:0014588, OMIM 616326.

Allele frequency attached by ClinVar (database versions not stated): gnomAD exomes 0.00019 and 0.00050; ExAC 0.00058; gnomAD 0.00200 and 0.00216; TOPMed 0.00221; ESP Exome Variant Server 0.00262; 1000 Genomes Project 0.00300; 1000 Genomes Project 30x 0.00312.
gnomAD v4.1: 595 of 1,614,050 alleles (0.037%); highest among the groups gnomAD compares: African/African-American, 0.74%; 2 homozygotes.

Submissions (3):

Labcorp Genetics (formerly Invitae), Labcorp
Classification: Benign for Congenital myasthenic syndrome 11; Fetal akinesia deformation sequence 1. Last evaluated: 2026-01-26. Review status: criteria provided, single submitter. Criteria: Invitae Variant Classification Sherloc (09022015). Collection method: clinical testing. Allele origin: germline.

Genetic Services Laboratory, University of Chicago
Classification: Likely benign. Last evaluated: 2016-04-11. Review status: criteria provided, single submitter. Criteria: ACMG Guidelines, 2015. Collection method: clinical testing. Allele origin: germline. Affected: no.

PreventionGenetics, part of Exact Sciences
Classification: Benign for RAPSN-related condition. Last evaluated: 2019-06-11. Review status: no assertion criteria provided. Collection method: clinical testing. Allele origin: germline. Not counted in ClinVar's aggregate classification.
Comment: This variant is classified as benign based on ACMG/AMP sequence variant interpretation guidelines (Richards et al. 2015 PMID: 25741868, with internal and published modifications).

NM_005055.5(RAPSN):c.960G>A (p.Gly320=)

Gene: RAPSN (receptor associated protein of the synapse; minus strand). Cytogenetic location: 11p11.2.
Variant type: single nucleotide variant.
Coding change: c.960G>A on transcript NM_005055.5 (MANE Select); coding-DNA position 960, G replaced by A.
Protein change: p.Gly320=; no amino-acid change (glycine 320 retained).
Molecular consequence: synonymous variant. On other transcripts: intron variant (1).
Genome position (GRCh38, 1-based): chr11:47,441,165, C>T on the plus strand (G>A on the coding strand, the complement: RAPSN is on the minus strand). VCF-style: chr11-47441165-C-T. GRCh37 (hg19) VCF-style: chr11-47462716-C-T.
Other names: c.789+658G>A (NM_032645.5).
Identifiers: ClinVar variation 436505 (VCV000436505.18), dbSNP rs145357531, ClinGen allele CA5976550.